The following is an entry in ClinVar:

ClinVar aggregate classification (germline): Benign/Likely benign. Review status: criteria provided, multiple submitters, no conflicts (2 of 4 stars). 23 submissions from 22 submitters: Benign (17); Likely benign (1). 5 of the submissions do not count toward it. Last evaluated 2026-02-04.

Conditions:
Hereditary cancer-predisposing syndrome. Also called: Tumor predisposition; Hereditary neoplastic syndrome; Neoplastic Syndromes, Hereditary; Hereditary Cancer Syndrome. Identifiers: Orphanet 140162, MedGen C0027672, MeSH D009386, MONDO:0015356.
Acute lymphoid leukemia (ALL). Also called: Acute lymphoblastic leukemia; Acute lymphocytic leukemia; Leukemia, acute lymphoblastic, somatic; Lymphoblastic leukemia. Identifiers: Orphanet 513, MedGen C0023449, MONDO:0004967, OMIM 613065, HP:0006721.
Hereditary breast ovarian cancer syndrome. Also called: Hereditary breast and ovarian cancer; BRCA1- and BRCA2-Associated Hereditary Breast and Ovarian Cancer; Hereditary breast and/or ovarian cancer syndrome; Hereditary breast and ovarian cancer syndrome; Hereditary breast and ovarian cancer syndrome (HBOC); Breast and ovarian cancer. Identifiers: Orphanet 145, MedGen C0677776, MeSH D061325, MONDO:0003582. Disease mechanism: loss of function.
Microcephaly, normal intelligence and immunodeficiency (NBS). Also called: Nijmegen breakage syndrome; Microcephaly with normal intelligence immunodeficiency and lymphoreticular malignancies; Nonsyndromal microcephaly autosomal recessive with normal intelligence; Seemanova syndrome 2; SEEMANOVA SYNDROME II; Immunodeficiency, microcephaly with normal intelligence. Identifiers: Orphanet 647, MedGen C0398791, MONDO:0009623, OMIM 251260.

Allele frequency attached by ClinVar (database versions not stated): ESP Exome Variant Server 0.28656; TOPMed 0.30258; gnomAD 0.30329 and 0.31047; gnomAD exomes 0.33124 and 0.34695; ExAC 0.34527; 1000 Genomes Project 30x 0.34728; 1000 Genomes Project 0.35703.

Submissions (23):

Labcorp Genetics (formerly Invitae), Labcorp
Classification: Benign for Microcephaly, normal intelligence and immunodeficiency. Last evaluated: 2026-02-04. Review status: criteria provided, single submitter. Criteria: Invitae Variant Classification Sherloc (09022015). Collection method: clinical testing. Allele origin: germline.

ARUP Laboratories, Molecular Genetics and Genomics, ARUP Laboratories
Classification: Benign. Last evaluated: 2025-07-30. Review status: criteria provided, single submitter. Criteria: ARUP Molecular Germline Variant Investigation Process 2024. Collection method: clinical testing. Allele origin: germline.

GeneKor MSA
Classification: Benign for Hereditary cancer-predisposing syndrome. Last evaluated: 2025-07-10. Review status: criteria provided, single submitter. Criteria: ACMG Guidelines, 2015. Collection method: clinical testing. Allele origin: germline.

KCCC/NGS Laboratory, Kuwait Cancer Control Center
Classification: Benign for Microcephaly, normal intelligence and immunodeficiency. Last evaluated: 2025-02-01. Review status: criteria provided, single submitter. Criteria: ACMG Guidelines, 2015. Collection method: clinical testing. Allele origin: germline. Affected: no.

Blueprint Genetics
Classification: Likely benign. Last evaluated: 2024-11-27. Review status: criteria provided, single submitter. Criteria: ACMG Guidelines, 2015. Collection method: clinical testing. Allele origin: germline.

Unidad de Genómica Garrahan, Hospital de Pediatría Garrahan
Classification: Benign. Last evaluated: 2024-01-24. Review status: criteria provided, single submitter. Criteria: ACMG Guidelines, 2015. Collection method: clinical testing. Allele origin: germline. Affected: no. Observed: 58 variant alleles.
Comment: This variant is classified as Benign based on local population frequency. This variant was detected in 61% of patients studied by a panel of primary immunodeficiencies. Number of patients: 58. Only high quality variants are reported.

Mayo Clinic Laboratories, Mayo Clinic
Classification: Benign. Last evaluated: 2023-10-19. Review status: criteria provided, single submitter. Criteria: ACMG Guidelines, 2015. Collection method: clinical testing. Allele origin: germline. Observed: 604 variant alleles.
Comment: BA1, BS2, BP4

KCCC/NGS Laboratory, Kuwait Cancer Control Center
Classification: Benign for Acute lymphoid leukemia. Last evaluated: 2023-07-07. Review status: criteria provided, single submitter. Criteria: ACMG Guidelines, 2015. Collection method: clinical testing. Allele origin: germline. Affected: yes.

National Health Laboratory Service, Universitas Academic Hospital and University of the Free State
Classification: Benign for Hereditary breast ovarian cancer syndrome. Last evaluated: 2022-04-19. Review status: criteria provided, single submitter. Criteria: ACMG Guidelines, 2015. Collection method: clinical testing. Allele origin: germline. Affected: yes. Observed: 140 variant alleles.

Genome-Nilou Lab
Classification: Benign for Microcephaly, normal intelligence and immunodeficiency. Last evaluated: 2021-07-01. Review status: criteria provided, single submitter. Criteria: ACMG Guidelines, 2015. Collection method: clinical testing. Allele origin: germline. Affected: no.

Illumina Laboratory Services, Illumina
Classification: Benign for Microcephaly, normal intelligence and immunodeficiency. Last evaluated: 2018-03-06. Review status: criteria provided, single submitter. Criteria: ICSL Variant Classification Criteria 13 December 2019. Collection method: clinical testing. Allele origin: germline.
Comment: This variant was observed in the ICSL laboratory as part of a predisposition screen in an ostensibly healthy population. It had not been previously curated by ICSL or reported in the Human Gene Mutation Database (HGMD: prior to June 1st, 2018), and was therefore a candidate for classification through an automated scoring system. Utilizing variant allele frequency, disease prevalence and penetrance estimates, and inheritance mode, an automated score was calculated to assess if this variant is too frequent to cause the disease. Based on the score and internal cut-off values, a variant classified as benign is not then subjected to further curation. The score for this variant resulted in a classification of benign for this disease.

IntelligeneCG
Classification: Benign for Microcephaly, normal intelligence and immunodeficiency. Last evaluated: 2017-08-18. Review status: criteria provided, single submitter. Criteria: ACMG Guidelines, 2015. Collection method: clinical testing. Allele origin: germline. Affected: no.

Laboratory for Molecular Medicine, Mass General Brigham Personalized Medicine
Classification: Benign. Last evaluated: 2016-03-28. Review status: criteria provided, single submitter. Criteria: LMM Criteria. Collection method: clinical testing. Allele origin: germline.
Comment: Variant identified in a genome or exome case(s) and assessed due to predicted null impact of the variant or pathogenic assertions in the literature or databases. Disclaimer: This variant has not undergone full assessment. The following are preliminary notes: Frequency, variant associated with lung cancer

Eurofins Ntd Llc (ga)
Classification: Benign. Last evaluated: 2015-03-30. Review status: criteria provided, single submitter. Criteria: EGL Classification Definitions 2015. Collection method: clinical testing. Allele origin: germline.

GeneDx
Classification: Benign. Last evaluated: 2015-03-03. Review status: criteria provided, single submitter. Criteria: GeneDx Variant Classification Process June 2021. Collection method: clinical testing. Allele origin: germline. Affected: yes.
Comment: This variant is associated with the following publications: (PMID: 28476809, 25771871, 24728327, 27153395, 12917199, 24113799, 21656575, 21166880, 22070649, 19706757, 19393077, 20143155)

Ambry Genetics
Classification: Benign for Hereditary cancer-predisposing syndrome. Last evaluated: 2014-11-21. Review status: criteria provided, single submitter. Criteria: Ambry Variant Classification Scheme 2023. Collection method: clinical testing. Allele origin: germline.

Breakthrough Genomics
Classification: Benign. Review status: criteria provided, single submitter. Criteria: ACMG Guidelines, 2015. Collection method: not provided. Allele origin: germline. Inheritance: Autosomal recessive inheritance. Affected: yes.

PreventionGenetics, part of Exact Sciences
Classification: Benign. Review status: criteria provided, single submitter. Criteria: ACMG Guidelines, 2015. Collection method: clinical testing. Allele origin: germline.

Natera, Inc.
Classification: Benign for Nijmegen breakage syndrome. Last evaluated: 2020-09-16. Review status: no assertion criteria provided. Collection method: clinical testing. Allele origin: germline. Not counted in ClinVar's aggregate classification.

ITMI
No classification provided. Condition: AllHighlyPenetrant. Last evaluated: 2013-09-19. Review status: no classification provided. Collection method: reference population. Allele origin: germline. Not counted in ClinVar's aggregate classification.
Comment: Please see associated publication for description of ethnicities

Clinical Genetics DNA and cytogenetics Diagnostics Lab, Erasmus MC, Erasmus Medical Center
Classification: Benign. Review status: no assertion criteria provided. Collection method: clinical testing. Allele origin: germline. Affected: yes. Study: VKGL Data-share Consensus. Not counted in ClinVar's aggregate classification.

Diagnostic Laboratory, Department of Genetics, University Medical Center Groningen
Classification: Benign. Review status: no assertion criteria provided. Collection method: clinical testing. Allele origin: germline. Affected: yes. Study: VKGL Data-share Consensus. Not counted in ClinVar's aggregate classification.

Joint Genome Diagnostic Labs from Nijmegen and Maastricht, Radboudumc and MUMC+
Classification: Benign. Review status: no assertion criteria provided. Collection method: clinical testing. Allele origin: germline. Affected: yes. Study: VKGL Data-share Consensus. Not counted in ClinVar's aggregate classification.

Literature cited by the submitters: PubMed 24728327 (cited by ITMI).

NM_002485.5(NBN):c.553G>C (p.Glu185Gln)

Gene: NBN (nibrin; minus strand). Cytogenetic location: 8q21.3.
Variant type: single nucleotide variant.
Coding change: c.553G>C on transcript NM_002485.5 (MANE Select); coding-DNA position 553, G replaced by C.
Protein change: p.Glu185Gln; replaces glutamic acid 185 with glutamine.
Molecular consequence: missense variant.
Genome position (GRCh38, 1-based): chr8:89,978,251, C>G on the plus strand (G>C on the coding strand, the complement: NBN is on the minus strand). VCF-style: chr8-89978251-C-G. GRCh37 (hg19) VCF-style: chr8-90990479-C-G.
Other names: NP_002476.2:p.Glu185Gln; c.307G>C, p.Glu103Gln (NM_001024688.3); short protein forms E185Q, E103Q.
Identifiers: ClinVar variation 134876 (VCV000134876.61), dbSNP rs1805794, ClinGen allele CA160987.